The following is an entry in ClinVar:

NM_003998.4(NFKB1):c.1211-8C>T

Gene: NFKB1 (nuclear factor kappa B subunit 1; plus strand). Cytogenetic location: 4q24.
Variant type: single nucleotide variant.
Coding change: c.1211-8C>T on transcript NM_003998.4 (MANE Select); 8 bases into the intron before coding-DNA position 1211, C replaced by T.
Molecular consequence: intron variant.
Genome position (GRCh38, 1-based): chr4:102,594,884, C>T. VCF-style: chr4-102594884-C-T. GRCh37 (hg19) VCF-style: chr4-103516041-C-T.
Other names: c.1208-8C>T (NM_001165412.2, NM_001319226.2).
Identifiers: ClinVar variation 734992 (VCV000734992.13), dbSNP rs192833592, ClinGen allele CA3026105.

ClinVar aggregate classification (germline): Benign/Likely benign. Review status: criteria provided, multiple submitters, no conflicts (2 of 4 stars). 3 submissions from 3 submitters: Benign (1); Likely benign (1). 1 of the submissions does not count toward it. Last evaluated 2026-01-26.

Conditions:
NFKB1-related disorder. Also called: NFKB1-related condition.

Allele frequency attached by ClinVar (database versions not stated): gnomAD 0.00037 and 0.00046; TOPMed 0.00049; ExAC 0.00129; 1000 Genomes Project 0.00180; 1000 Genomes Project 30x 0.00187.
gnomAD v4.1: 396 of 1,597,166 alleles (0.025%); highest among the groups gnomAD compares: East Asian, 0.79%; 3 homozygotes.

Submissions (4):

Labcorp Genetics (formerly Invitae), Labcorp
Classification: Benign. Last evaluated: 2026-01-26. Review status: criteria provided, single submitter. Criteria: Invitae Variant Classification Sherloc (09022015). Collection method: clinical testing. Allele origin: germline.

Blueprint Genetics
Classification: Likely benign. Last evaluated: 2024-10-28. Review status: criteria provided, single submitter. Criteria: ACMG Guidelines, 2015. Collection method: clinical testing. Allele origin: germline.

PreventionGenetics, part of Exact Sciences
Classification: Benign for NFKB1-related condition. Last evaluated: 2023-12-15. Review status: no assertion criteria provided. Collection method: clinical testing. Allele origin: germline. Not counted in ClinVar's aggregate classification.
Comment: This variant is classified as benign based on ACMG/AMP sequence variant interpretation guidelines (Richards et al. 2015 PMID: 25741868, with internal and published modifications).

Dr. Peter K. Rogan Lab, Western University
No classification provided (evidence only). Condition: Malignant tumor of esophagus. Review status: no classification provided. Collection method: in vitro. Allele origin: not applicable. Functional consequence: retained intron. Not counted in ClinVar's aggregate classification.